The following is an entry in ClinVar:

ClinVar aggregate classification (germline): Uncertain significance. Review status: criteria provided, multiple submitters, no conflicts (2 of 4 stars). 3 submissions from 3 submitters: Uncertain significance (3). Last evaluated 2025-10-22.

Conditions:
Anterior segment dysgenesis 7 (ASGD7). Also called: SCLEROCORNEA WITH OTHER OCULAR ANOMALIES; Anterior segment dysgenesis 7, with sclerocornea. Identifiers: Orphanet 289499, MedGen C3151617, MONDO:0010015, OMIM 269400.
Inborn genetic diseases. Identifiers: MedGen C0950123, MeSH D030342.

Allele frequency attached by ClinVar (database versions not stated): ExAC 0.00011.
gnomAD v4.1: 361 of 1,611,412 alleles (0.022%); highest among the groups gnomAD compares: Non-Finnish European, 0.029%; 1 homozygote.

Submissions (3):

Ambry Genetics
Classification: Uncertain significance for Inborn genetic diseases. Last evaluated: 2025-10-22. Review status: criteria provided, single submitter. Criteria: Ambry Variant Classification Scheme 2023. Collection method: clinical testing. Allele origin: germline.

GeneDx
Classification: Uncertain significance. Last evaluated: 2024-09-04. Review status: criteria provided, single submitter. Criteria: GeneDx Variant Classification Process June 2021. Collection method: clinical testing. Allele origin: germline. Affected: yes.
Comment: In silico analysis supports that this missense variant has a deleterious effect on protein structure/function; Has not been previously published as pathogenic or benign to our knowledge

Labcorp Genetics (formerly Invitae), Labcorp
Classification: Uncertain significance for Anterior segment dysgenesis 7. Last evaluated: 2022-07-26. Review status: criteria provided, single submitter. Criteria: Invitae Variant Classification Sherloc (09022015). Collection method: clinical testing. Allele origin: germline.
Comment: This sequence change replaces proline, which is neutral and non-polar, with arginine, which is basic and polar, at codon 864 of the PXDN protein (p.Pro864Arg). The frequency data for this variant in the population databases is considered unreliable, as metrics indicate poor data quality at this position in the gnomAD database. This variant has not been reported in the literature in individuals affected with PXDN-related conditions. ClinVar contains an entry for this variant (Variation ID: 1465819). Algorithms developed to predict the effect of missense changes on protein structure and function are either unavailable or do not agree on the potential impact of this missense change (SIFT: "Deleterious"; PolyPhen-2: "Benign"; Align-GVGD: "Class C35"). In summary, the available evidence is currently insufficient to determine the role of this variant in disease. Therefore, it has been classified as a Variant of Uncertain Significance.

NM_012293.3(PXDN):c.2591C>G (p.Pro864Arg)

Gene: PXDN (peroxidasin; minus strand). Cytogenetic location: 2p25.3.
Variant type: single nucleotide variant.
Coding change: c.2591C>G on transcript NM_012293.3 (MANE Select); coding-DNA position 2591, C replaced by G.
Protein change: p.Pro864Arg; replaces proline 864 with arginine.
Molecular consequence: missense variant.
Genome position (GRCh38, 1-based): chr2:1,649,189, G>C on the plus strand (C>G on the coding strand, the complement: PXDN is on the minus strand). VCF-style: chr2-1649189-G-C. GRCh37 (hg19) VCF-style: chr2-1652961-G-C.
Other names: c.2591C>G (NM_012293.1); short protein forms P864R.
Identifiers: ClinVar variation 1465819 (VCV001465819.8), dbSNP rs769171499, ClinGen allele CA1512947.
Genomic context (GRCh38, chr2:1,649,189, plus strand): 5'-ACAGGGCTGGAGCGCACGAAGAACATGCAGCGGGCCCCGCTCCTGGCCCGGGAGTCATTG[G>C]GGGGGATCATGACAGAGAAGCAGGGGGGGTCGTTGCTGCACACGTTGCTGCAGTGCTGTC-3'
Protein context (NP_036425.1, residues 854-874): DPPCFSVMIP[Pro864Arg]NDSRARSGAR